The following is an entry in ClinVar:

ClinVar aggregate classification (germline): Uncertain significance (1 of 4 stars; one submission).

Conditions:
Inborn genetic diseases. Identifiers: MedGen C0950123, MeSH D030342.

gnomAD v4.1: 2 of 1,599,252 alleles (0.00013%); highest among the groups gnomAD compares: African/African-American, 0.0027%; no homozygotes.

Submission:

Ambry Genetics
Classification: Uncertain significance for Inborn genetic diseases. Last evaluated: 2026-02-19. Review status: criteria provided, single submitter. Criteria: Ambry Variant Classification Scheme 2023. Collection method: clinical testing. Allele origin: germline.
Comment: The p.G125E variant (also known as c.374G>A), located in coding exon 4 of the ELANE gene, results from a G to A substitution at nucleotide position 374. The glycine at codon 125 is replaced by glutamic acid, an amino acid with similar properties. This amino acid position is conserved. In addition, the in silico prediction for this alteration is inconclusive. Based on the available evidence, the clinical significance of this variant remains unclear.

NM_001972.4(ELANE):c.374G>A (p.Gly125Glu)

Gene: ELANE (elastase, neutrophil expressed; plus strand). Cytogenetic location: 19p13.3.
Variant type: single nucleotide variant.
Coding change: c.374G>A on transcript NM_001972.4 (MANE Select); coding-DNA position 374, G replaced by A.
Protein change: p.Gly125Glu; replaces glycine 125 with glutamic acid.
Molecular consequence: missense variant.
Genome position (GRCh38, 1-based): chr19:855,571, G>A. VCF-style: chr19-855571-G-A. GRCh37 (hg19) VCF-style: chr19-855571-G-A.
Other names: short protein forms G125E.
Identifiers: ClinVar variation 4824014 (VCV004824014.1).